The following is an entry in ClinVar:

ClinVar aggregate classification (germline): Uncertain significance (1 of 4 stars; one submission).

Conditions:
Adams-Oliver syndrome 5 (AOS5). Identifiers: Orphanet 974, MedGen C4014970, MONDO:0014459, OMIM 616028.

Submission:

Labcorp Genetics (formerly Invitae), Labcorp
Classification: Uncertain significance for Adams-Oliver syndrome 5. Last evaluated: 2023-02-08. Review status: criteria provided, single submitter. Criteria: Invitae Variant Classification Sherloc (09022015). Collection method: clinical testing. Allele origin: germline.
Comment: This sequence change falls in intron 19 of the NOTCH1 gene. It does not directly change the encoded amino acid sequence of the NOTCH1 protein. It affects a nucleotide within the consensus splice site. In summary, the available evidence is currently insufficient to determine the role of this variant in disease. Therefore, it has been classified as a Variant of Uncertain Significance. Variants that disrupt the consensus splice site are a relatively common cause of aberrant splicing (PMID: 17576681, 9536098). Algorithms developed to predict the effect of sequence changes on RNA splicing suggest that this variant may create or strengthen a splice site. This variant has not been reported in the literature in individuals affected with NOTCH1-related conditions. This variant is not present in population databases (gnomAD no frequency).

Literature cited by the submitters: PubMed 17576681; PubMed 9536098.

NM_017617.5(NOTCH1):c.3171+6del

Gene: NOTCH1 (notch receptor 1; minus strand). Cytogenetic location: 9q34.3.
Variant type: Deletion.
Coding change: c.3171+6del on transcript NM_017617.5 (MANE Select); 6 bases into the intron after coding-DNA position 3171, one base deleted (T; older notation c.3171+6delT).
Molecular consequence: intron variant.
Genome position (GRCh38, 1-based): chr9:136,508,864, A deleted on the plus strand (T on the coding strand, the reverse complement: NOTCH1 is on the minus strand). VCF-style (leftmost placement, unchanged base first): chr9-136508863-CA-C. GRCh37 (hg19) VCF-style: chr9-139403315-CA-C.
Identifiers: ClinVar variation 2833715 (VCV002833715.3), dbSNP rs2540444099, ClinGen allele CA2739265200.
Genomic context (GRCh38, chr9:136,508,863, plus strand): 5'-CACCTCCCGCAGGTAGGCACCCACCCAGGGCCCCTCCTTCGGGCACCTCTGTGGCCGGCG[CA>C]CTCACCTGGCAGTTGGGGCCAGTGTAGCCCTGGGGGCAGGTGCACCTGTAGGAGCCGCAG-3'